The following is an entry in ClinVar:

ClinVar aggregate classification (germline): Conflicting classifications of pathogenicity. Review status: criteria provided, conflicting classifications (1 of 4 stars). 4 submissions from 4 submitters: Uncertain significance (2); Likely benign (2). Last evaluated 2025-11-13.

Conditions:
Cardiovascular phenotype. Identifiers: MedGen CN230736.
Long QT syndrome (LQTS). Identifiers: MedGen C0023976, MeSH D008133, MONDO:0002442. Disease mechanism: loss of function. Inheritance: Various modes of inheritance.

Allele frequency attached by ClinVar (database versions not stated): gnomAD exomes below 0.00001.
gnomAD v4.1: 9 of 1,614,020 alleles (0.00056%); highest among the groups gnomAD compares: East Asian, 0.0022%; no homozygotes.

Submissions (4):

Labcorp Genetics (formerly Invitae), Labcorp
Classification: Uncertain significance for Long QT syndrome. Last evaluated: 2025-11-13. Review status: criteria provided, single submitter. Criteria: Invitae Variant Classification Sherloc (09022015). Collection method: clinical testing. Allele origin: germline.
Comment: This sequence change replaces serine, which is neutral and polar, with proline, which is neutral and non-polar, at codon 3331 of the ANK2 protein (p.Ser3331Pro). This variant is present in population databases (no rsID available, gnomAD no frequency). This variant has not been reported in the literature in individuals affected with ANK2-related conditions. ClinVar contains an entry for this variant (Variation ID: 1978866). An algorithm developed to predict the effect of missense changes on protein structure and function outputs the following: PolyPhen-2: "Benign". The proline amino acid residue is found in multiple mammalian species, which suggests that this missense change does not adversely affect protein function. In summary, the available evidence is currently insufficient to determine the role of this variant in disease. Therefore, it has been classified as a Variant of Uncertain Significance.

Blueprint Genetics
Classification: Likely benign. Last evaluated: 2024-10-14. Review status: criteria provided, single submitter. Criteria: ACMG Guidelines, 2015. Collection method: clinical testing. Allele origin: germline.

Ambry Genetics
Classification: Likely benign for Cardiovascular phenotype. Last evaluated: 2023-02-26. Review status: criteria provided, single submitter. Criteria: Ambry Variant Classification Scheme 2023. Collection method: clinical testing. Allele origin: germline.

Revvity Omics, Revvity
Classification: Uncertain significance. Last evaluated: 2020-05-06. Review status: criteria provided, single submitter. Criteria: ACMG Guidelines, 2015. Collection method: clinical testing. Allele origin: germline.

NM_001148.6(ANK2):c.9991T>C (p.Ser3331Pro)

Gene: ANK2 (ankyrin 2; plus strand). Cytogenetic location: 4q26.
Variant type: single nucleotide variant.
Coding change: c.9991T>C on transcript NM_001148.6 (MANE Select); coding-DNA position 9991, T replaced by C.
Protein change: p.Ser3331Pro; replaces serine 3331 with proline.
Molecular consequence: missense variant. On other transcripts: intron variant (68).
Genome position (GRCh38, 1-based): chr4:113,358,609, T>C. VCF-style: chr4-113358609-T-C. GRCh37 (hg19) VCF-style: chr4-114279765-T-C.
Other names: c.4364-2214T>C (NM_001386143.1, NM_001354243.2, NM_001354255.2); c.4265-2214T>C (NM_001354262.2, NM_001354275.2, NM_001354245.2); c.4202-2214T>C (NM_001354253.2, NM_001354270.2); c.4166-2214T>C (NM_001354257.2, NM_001386156.1); c.4241-2214T>C (NM_001354249.2, NM_001354266.2, NM_001354276.2 and 2 more transcripts); c.4208-2214T>C (NM_001386146.1, NM_001386150.1, NM_001386149.1 and 1 more transcripts); c.4193-2214T>C (NM_001354274.2, NM_001386154.1); c.4142-2214T>C (NM_001386151.1, NM_001354260.2, NM_001354271.2); and 35 more; short protein forms S3253P, S2131P, S3370P, S3378P, S3331P.
Identifiers: ClinVar variation 1978866 (VCV001978866.10), dbSNP rs1168752344, ClinGen allele CA357939439.